The following is an entry in ClinVar:

ClinVar aggregate classification (germline): Uncertain significance (1 of 4 stars; one submission).

gnomAD v4.1: 4 of 1,198,179 alleles (0.00033%); highest among the groups gnomAD compares: Admixed American, 0.0045%; no homozygotes.

Submission:

Labcorp Genetics (formerly Invitae), Labcorp
Classification: Uncertain significance. Last evaluated: 2024-03-13. Review status: criteria provided, single submitter. Criteria: Invitae Variant Classification Sherloc (09022015). Collection method: clinical testing. Allele origin: germline.
Comment: This sequence change replaces valine, which is neutral and non-polar, with isoleucine, which is neutral and non-polar, at codon 145 of the MBTPS2 protein (p.Val145Ile). This variant is present in population databases (no rsID available, gnomAD 0.008%). This variant has not been reported in the literature in individuals affected with MBTPS2-related conditions. Advanced modeling of protein sequence and biophysical properties (such as structural, functional, and spatial information, amino acid conservation, physicochemical variation, residue mobility, and thermodynamic stability) performed at Invitae indicates that this missense variant is not expected to disrupt MBTPS2 protein function with a negative predictive value of 80%. In summary, the available evidence is currently insufficient to determine the role of this variant in disease. Therefore, it has been classified as a Variant of Uncertain Significance.

NM_015884.4(MBTPS2):c.433G>A (p.Val145Ile)

Gene: MBTPS2 (membrane bound transcription factor peptidase, site 2; plus strand). Cytogenetic location: Xp22.12.
Variant type: single nucleotide variant.
Coding change: c.433G>A on transcript NM_015884.4 (MANE Select); coding-DNA position 433, G replaced by A.
Protein change: p.Val145Ile; replaces valine 145 with isoleucine.
Molecular consequence: missense variant.
Genome position (GRCh38, 1-based): chrX:21,845,379, G>A. VCF-style: chrX-21845379-G-A. GRCh37 (hg19) VCF-style: chrX-21863497-G-A.
Other names: short protein forms V145I.
Identifiers: ClinVar variation 3622097 (VCV003622097.2).